The following is an entry in ClinVar:

ClinVar aggregate classification (germline): Uncertain significance. Review status: criteria provided, multiple submitters, no conflicts (2 of 4 stars). 3 submissions from 3 submitters: Uncertain significance (3). Last evaluated 2025-12-19.

Conditions:
Hereditary breast ovarian cancer syndrome. Also called: Hereditary breast and/or ovarian cancer syndrome; Hereditary breast and ovarian cancer syndrome; Hereditary breast and ovarian cancer; Hereditary breast and ovarian cancer syndrome (HBOC); Breast and ovarian cancer; BRCA1- and BRCA2-Associated Hereditary Breast and Ovarian Cancer. Identifiers: Orphanet 145, MedGen C0677776, MeSH D061325, MONDO:0003582. Disease mechanism: loss of function.
Hereditary cancer-predisposing syndrome. Also called: Tumor predisposition; Hereditary Cancer Syndrome; Neoplastic Syndromes, Hereditary; Hereditary neoplastic syndrome. Identifiers: Orphanet 140162, MedGen C0027672, MeSH D009386, MONDO:0015356.

Submissions (3):

Ambry Genetics
Classification: Uncertain significance for Hereditary cancer-predisposing syndrome. Last evaluated: 2025-12-19. Review status: criteria provided, single submitter. Criteria: Ambry Variant Classification Scheme 2023. Collection method: clinical testing. Allele origin: germline.
Comment: The c.2191_2196delAAAGAA variant (also known as p.K731_E732del) is located in coding exon 9 of the BRCA1 gene. This variant results from an in-frame AAAGAA deletion at nucleotide positions 2191 to 2196. This results in the in-frame deletion of a lysine and glutamic acid at codons 731 and 732. These amino acid positions are not well conserved on species alignment. In addition, this variant is predicted to be deleterious by in silico analysis (Choi Y et al. PLoS ONE. 2012; 7(10):e46688). Based on the available evidence, the clinical significance of this variant remains unclear.

Labcorp Genetics (formerly Invitae), Labcorp
Classification: Uncertain significance for Hereditary breast ovarian cancer syndrome. Last evaluated: 2025-04-08. Review status: criteria provided, single submitter. Criteria: Invitae Variant Classification Sherloc (09022015). Collection method: clinical testing. Allele origin: germline.
Comment: This variant, c.2191_2196del, results in the deletion of 2 amino acid(s) of the BRCA1 protein (p.Lys731_Glu732del), but otherwise preserves the integrity of the reading frame. This variant is present in population databases (no rsID available, gnomAD no frequency). This variant has not been reported in the literature in individuals affected with BRCA1-related conditions. ClinVar contains an entry for this variant (Variation ID: 489709). Experimental studies and prediction algorithms are not available or were not evaluated, and the functional significance of this variant is currently unknown. In summary, the available evidence is currently insufficient to determine the role of this variant in disease. Therefore, it has been classified as a Variant of Uncertain Significance.

Color Diagnostics, LLC DBA Color Health
Classification: Uncertain significance for Hereditary cancer-predisposing syndrome. Last evaluated: 2019-04-23. Review status: criteria provided, single submitter. Criteria: ACMG Guidelines, 2015. Collection method: clinical testing. Allele origin: germline.

NM_007294.4(BRCA1):c.2191_2196del (p.Lys731_Glu732del)

Gene: BRCA1 (BRCA1 DNA repair associated; minus strand). Cytogenetic location: 17q21.31.
Variant type: Deletion.
Coding change: c.2191_2196del on transcript NM_007294.4 (MANE Select); coding-DNA positions 2191 to 2196, 6 bases deleted (AAAGAA; older notation c.2191_2196delAAAGAA).
Protein change: p.Lys731_Glu732del.
Molecular consequence: inframe deletion. On other transcripts: inframe indel (2), intron variant (137).
Genome position (GRCh38, 1-based): chr17:43,093,335-43,093,340, TTCTTT deleted on the plus strand (AAAGAA on the coding strand, the reverse complement: BRCA1 is on the minus strand); deleting any 6 consecutive bases within chr17:43,093,335-43,093,345 gives the same sequence; the c. name uses the placement nearest the transcript's 3' end. VCF-style (leftmost placement, unchanged base first): chr17-43093334-CTTCTTT-C. GRCh37 (hg19) VCF-style: chr17-41245351-CTTCTTT-C.
Other names: c.2050_2055del, p.Lys684_Glu685del (NM_001407728.1, NM_001407729.1, NM_001407730.1 and 29 more transcripts); c.2047_2052del, p.Lys683_Glu684del (NM_001407740.1, NM_001407741.1, NM_001407742.1 and 20 more transcripts); c.1978_1983del, p.Lys660_Glu661del (NM_001407853.1, NM_001407894.1, NM_001407895.1 and 9 more transcripts); c.2191_2196del, p.Lys731_Glu732del (NM_001407854.1, NM_001407858.1, NM_001407859.1 and 30 more transcripts); c.2188_2193del, p.Lys730_Glu731del (NM_001407860.1, NM_001407861.1, NM_001407587.1 and 22 more transcripts); c.1990_1995del, p.Lys664_Glu665del (NM_001407862.1); c.2068_2073del, p.Lys690_Glu691del (NM_001407863.1, NM_001407919.1, NM_001407937.1 and 19 more transcripts); c.1987_1992del, p.Lys663_Glu664del (NM_001407874.1, NM_001407875.1); and 43 more.
Identifiers: ClinVar variation 489709 (VCV000489709.9), dbSNP rs1394201588, ClinGen allele CA626221305.